The following is an entry in ClinVar:

ClinVar aggregate classification (germline): Uncertain significance (1 of 4 stars; one submission).

Conditions:
Cerebellar ataxia, impaired intellectual development, and dysequilibrium syndrome 2. Also called: Cerebellar ataxia, intellectual disability, and dysequilibrium syndrome 2; CEREBELLAR ATAXIA, MENTAL RETARDATION, AND DYSEQUILIBRIUM SYNDROME 2; CEREBELLAR ATAXIA AND MENTAL RETARDATION WITH OR WITHOUT QUADRUPEDAL LOCOMOTION 2. Identifiers: Orphanet 1766, MedGen C2750234, MONDO:0012430, OMIM 610185.

Allele frequency attached by ClinVar (database versions not stated): gnomAD 0.00001 and 0.00003; gnomAD exomes 0.00001 and 0.00003; TOPMed 0.00003.
gnomAD v4.1: 16 of 1,550,184 alleles (0.001%); highest among the groups gnomAD compares: Non-Finnish European, 0.0014%; no homozygotes.

Submission:

Baylor Genetics
Classification: Uncertain significance for Cerebellar ataxia, impaired intellectual development, and dysequilibrium syndrome 2. Last evaluated: 2019-02-21. Review status: criteria provided, single submitter. Criteria: ACMG Guidelines, 2015. Collection method: clinical testing. Allele origin: paternal. Affected: yes.
Comment: This variant was determined to be of uncertain significance according to ACMG Guidelines, 2015 [PMID:25741868].

NM_001163809.2(WDR81):c.1474A>C (p.Ile492Leu)

Gene: WDR81 (WD repeat domain 81; plus strand). Cytogenetic location: 17p13.3.
Variant type: single nucleotide variant.
Coding change: c.1474A>C on transcript NM_001163809.2 (MANE Select); coding-DNA position 1474, A replaced by C.
Protein change: p.Ile492Leu; replaces isoleucine 492 with leucine.
Molecular consequence: missense variant. On other transcripts: intron variant (3).
Genome position (GRCh38, 1-based): chr17:1,726,433, A>C. VCF-style: chr17-1726433-A-C. GRCh37 (hg19) VCF-style: chr17-1629727-A-C.
Other names: c.-123-1557A>C (NM_152348.4); c.59-3947A>C (NM_001163673.2); c.-15+1647A>C (NM_001163811.2); short protein forms I492L.
Identifiers: ClinVar variation 1030235 (VCV001030235.1), dbSNP rs992608564, ClinGen allele CA286869153.